The following is an entry in ClinVar:

NM_001267550.2(TTN):c.30538G>C (p.Asp10180His)

Gene: TTN (titin; minus strand). Cytogenetic location: 2q31.2.
Variant type: single nucleotide variant.
Coding change: c.30538G>C on transcript NM_001267550.2 (MANE Select); coding-DNA position 30538, G replaced by C.
Protein change: p.Asp10180His; replaces aspartic acid 10180 with histidine.
Molecular consequence: missense variant. On other transcripts: intron variant (3).
Genome position (GRCh38, 1-based): chr2:178,702,040, C>G on the plus strand (G>C on the coding strand, the complement: TTN is on the minus strand). VCF-style: chr2-178702040-C-G. GRCh37 (hg19) VCF-style: chr2-179566767-C-G.
Other names: c.29587G>C, p.Asp9863His (NM_001256850.1); c.26806G>C, p.Asp8936His (NM_133378.4); c.13282+36042G>C (NM_003319.4); c.13858+36042G>C (NM_133437.4); c.13657+36042G>C (NM_133432.3); short protein forms D10180H, D9863H, D8936H.
Identifiers: ClinVar variation 2939213 (VCV002939213.3), dbSNP rs2475048391, ClinGen allele CA349569243.

ClinVar aggregate classification (germline): Uncertain significance (1 of 4 stars; one submission).

Conditions:
Dilated cardiomyopathy 1G (CMD1G). Identifiers: Orphanet 154, MedGen C1858763, MONDO:0011400, OMIM 604145.
Autosomal recessive limb-girdle muscular dystrophy type 2J (LGMDR10). Also called: Limb-girdle muscular dystrophy, type 2J; MUSCULAR DYSTROPHY, LIMB-GIRDLE, AUTOSOMAL RECESSIVE 10. Identifiers: Orphanet 140922, MedGen C1837342, MONDO:0012127, OMIM 608807.

Submission:

Labcorp Genetics (formerly Invitae), Labcorp
Classification: Uncertain significance for Dilated cardiomyopathy 1G; Autosomal recessive limb-girdle muscular dystrophy type 2J. Last evaluated: 2023-12-28. Review status: criteria provided, single submitter. Criteria: Invitae Variant Classification Sherloc (09022015). Collection method: clinical testing. Allele origin: germline.
Comment: This sequence change replaces aspartic acid, which is acidic and polar, with histidine, which is basic and polar, at codon 10180 of the TTN protein (p.Asp10180His). This variant also falls at the last nucleotide of exon 109, which is part of the consensus splice site for this exon. This variant is not present in population databases (gnomAD no frequency). This variant has not been reported in the literature in individuals affected with TTN-related conditions. Experimental studies and prediction algorithms are not available or were not evaluated, and the functional significance of this variant is currently unknown. Variants that disrupt the consensus splice site are a relatively common cause of aberrant splicing (PMID: 17576681, 9536098). Algorithms developed to predict the effect of sequence changes on RNA splicing suggest that this variant may disrupt the consensus splice site. This variant is located in the I band of TTN (PMID: 25589632). Non-truncating variants in this region may be clinically relevant, but have not been definitively shown to cause cardiomyopathy or neuromuscular disease (PMID: 27493940, 32778822). In summary, the available evidence is currently insufficient to determine the role of this variant in disease. Therefore, it has been classified as a Variant of Uncertain Significance.

Literature cited by the submitters: PubMed 17576681; PubMed 9536098; PubMed 25589632; PubMed 27493940; PubMed 32778822.